The following is an entry in ClinVar:

ClinVar aggregate classification (germline): Uncertain significance (1 of 4 stars; one submission).

Conditions:
Cardiovascular phenotype. Identifiers: MedGen CN230736.

Submission:

Ambry Genetics
Classification: Uncertain significance for Cardiovascular phenotype. Last evaluated: 2025-04-22. Review status: criteria provided, single submitter. Criteria: Ambry Variant Classification Scheme 2023. Collection method: clinical testing. Allele origin: germline.
Comment: The c.4960_4961delAG variant, located in coding exon 19 of the AKAP9 gene, results from a deletion of two nucleotides at nucleotide positions 4960 to 4961, causing a translational frameshift with a predicted alternate stop codon (p.R1654Gfs*23). This alteration is expected to result in loss of function by premature protein truncation or nonsense-mediated mRNA decay. However, the evidence for this gene-disease relationship is limited; therefore, the clinical significance of this alteration is unclear.

NM_005751.5(AKAP9):c.4960_4961del (p.Arg1654fs)

Genes: AKAP9 (A-kinase anchoring protein 9; plus strand), LOC121175350 (Sharpr-MPRA regulatory region 2641; plus strand). Cytogenetic location: 7q21.2.
Variant type: Microsatellite.
Coding change: c.4960_4961del on transcript NM_005751.5 (MANE Select); coding-DNA positions 4960 to 4961, 2 bases deleted (AG; older notation c.4960_4961delAG).
Protein change: p.Arg1654fs; shifts the reading frame from arginine 1654.
Molecular consequence: frameshift variant.
Genome position (GRCh38, 1-based): chr7:92,042,088-92,042,089, AG deleted; deleting any 2 consecutive bases within chr7:92,042,078-92,042,089 gives the same sequence; the c. name uses the placement nearest the transcript's 3' end. VCF-style (leftmost placement, unchanged base first): chr7-92042077-CAG-C. GRCh37 (hg19) VCF-style: chr7-91671391-CAG-C.
Other names: c.4950_4951AG[5], p.Arg1654Glyfs (NM_005751.4); c.4960_4961del, p.Arg1654fs (NM_147185.3); c.4960_4961delAG (NM_005751.4); short protein forms R1654fs.
Identifiers: ClinVar variation 4033008 (VCV004033008.1).